The following is an entry in ClinVar:

NM_080860.4(RSPH1):c.748G>A (p.Glu250Lys)

Gene: RSPH1 (radial spoke head component 1; minus strand). Cytogenetic location: 21q22.3.
Variant type: single nucleotide variant.
Coding change: c.748G>A on transcript NM_080860.4 (MANE Select); coding-DNA position 748, G replaced by A.
Protein change: p.Glu250Lys; replaces glutamic acid 250 with lysine.
Molecular consequence: missense variant.
Genome position (GRCh38, 1-based): chr21:42,476,027, C>T on the plus strand (G>A on the coding strand, the complement: RSPH1 is on the minus strand). VCF-style: chr21-42476027-C-T. GRCh37 (hg19) VCF-style: chr21-43896137-C-T.
Other names: c.634G>A, p.Glu212Lys (NM_001286506.2); short protein forms E250K, E212K.
Identifiers: ClinVar variation 653057 (VCV000653057.6), dbSNP rs1057278008, ClinGen allele CA321548342.
Genomic context (GRCh38, chr21:42,476,027, plus strand): 5'-CTTCATCTCCAGGCCTCATGTCCATCTCACCCTCGAAGCCCTCCAGCAGAGCCTGGGCCT[C>T]CTCCCCGGGTTCTCCTGCACCTGAGATAAAACACAAGTCAGAAGCCTGAGTTCCTGGGAA-3'
Protein context (NP_543136.1, residues 240-260): GAESAGEPGE[Glu250Lys]AQALLEGFEG

ClinVar aggregate classification (germline): Uncertain significance (1 of 4 stars; one submission).

Conditions:
Primary ciliary dyskinesia. Also called: Ciliary dyskinesia. Identifiers: Orphanet 244, MedGen C0008780, MONDO:0016575, HP:0012265.

Allele frequency attached by ClinVar (database versions not stated): gnomAD exomes below 0.00001 and 0.00001; TOPMed 0.00001.
gnomAD v4.1: 8 of 1,613,708 alleles (0.0005%); highest among the groups gnomAD compares: East Asian, 0.0067%; no homozygotes.

Submission:

Labcorp Genetics (formerly Invitae), Labcorp
Classification: Uncertain significance for Primary ciliary dyskinesia. Last evaluated: 2021-09-01. Review status: criteria provided, single submitter. Criteria: Invitae Variant Classification Sherloc (09022015). Collection method: clinical testing. Allele origin: germline.
Comment: This sequence change replaces glutamic acid with lysine at codon 250 of the RSPH1 protein (p.Glu250Lys). The glutamic acid residue is weakly conserved and there is a small physicochemical difference between glutamic acid and lysine. This variant is not present in population databases (ExAC no frequency). This variant has not been reported in the literature in individuals affected with RSPH1-related conditions. Algorithms developed to predict the effect of missense changes on protein structure and function (SIFT, PolyPhen-2, Align-GVGD) all suggest that this variant is likely to be tolerated. In summary, the available evidence is currently insufficient to determine the role of this variant in disease. Therefore, it has been classified as a Variant of Uncertain Significance.